The following is an entry in ClinVar:

ClinVar aggregate classification (germline): Uncertain significance. Review status: criteria provided, multiple submitters, no conflicts (2 of 4 stars). 2 submissions from 2 submitters: Uncertain significance (2). Last evaluated 2024-11-27.

Conditions:
Inborn genetic diseases. Identifiers: MedGen C0950123, MeSH D030342.

Allele frequency attached by ClinVar (database versions not stated): ExAC 0.00038; TOPMed 0.00049; gnomAD 0.00058; ESP Exome Variant Server 0.00077; gnomAD exomes 0.00093.

Submissions (2):

Ambry Genetics
Classification: Uncertain significance for Inborn genetic diseases. Last evaluated: 2024-11-27. Review status: criteria provided, single submitter. Criteria: Ambry Variant Classification Scheme 2023. Collection method: clinical testing. Allele origin: germline.

GeneDx
Classification: Uncertain significance. Last evaluated: 2022-08-12. Review status: criteria provided, single submitter. Criteria: GeneDx Variant Classification Process June 2021. Collection method: clinical testing. Allele origin: germline. Affected: yes.
Comment: In silico analysis supports that this missense variant does not alter protein structure/function; Has not been previously published as pathogenic or benign to our knowledge

NM_002861.5(PCYT2):c.1133C>T (p.Ala378Val)

Gene: PCYT2 (phosphate cytidylyltransferase 2, ethanolamine; minus strand). Cytogenetic location: 17q25.3.
Variant type: single nucleotide variant.
Coding change: c.1133C>T on transcript NM_002861.5 (MANE Select); coding-DNA position 1133, C replaced by T.
Protein change: p.Ala378Val; replaces alanine 378 with valine.
Molecular consequence: missense variant.
Genome position (GRCh38, 1-based): chr17:81,904,870, G>A on the plus strand (C>T on the coding strand, the complement: PCYT2 is on the minus strand). VCF-style: chr17-81904870-G-A. GRCh37 (hg19) VCF-style: chr17-79862746-G-A.
Other names: c.1187C>T, p.Ala396Val (NM_001184917.3); c.971C>T, p.Ala324Val (NM_001256433.3); c.1010C>T, p.Ala337Val (NM_001256434.3); c.899C>T, p.Ala300Val (NM_001256435.3, NM_001282203.2); c.1037C>T, p.Ala346Val (NM_001282204.2); c.1067C>T, p.Ala356Val (NM_001330518.2); c.1187C>T (NM_001184917.1); short protein forms A300V, A324V, A337V, A346V, A356V, A378V, A396V.
Identifiers: ClinVar variation 2429559 (VCV002429559.3), dbSNP rs146242304, ClinGen allele CA8844029.